The following is an entry in ClinVar:

NM_000152.5(GAA):c.1847A>G (p.Asp616Gly)

Gene: GAA (alpha glucosidase; plus strand). Cytogenetic location: 17q25.3.
Variant type: single nucleotide variant.
Coding change: c.1847A>G on transcript NM_000152.5 (MANE Select); coding-DNA position 1847, A replaced by G.
Protein change: p.Asp616Gly; replaces aspartic acid 616 with glycine.
Molecular consequence: missense variant.
Genome position (GRCh38, 1-based): chr17:80,112,670, A>G. VCF-style: chr17-80112670-A-G. GRCh37 (hg19) VCF-style: chr17-78086469-A-G.
Other names: c.1847A>G, p.Asp616Gly (NM_001079803.3, NM_001079804.3, NM_001406741.1 and 1 more transcripts); short protein forms D616G.
Identifiers: ClinVar variation 3902745 (VCV003902745.1).
Genomic context (GRCh38, chr17:80,112,670, plus strand): 5'-TTGTGATCTCCCGCTCGACCTTTGCTGGCCACGGCCGATACGCCGGCCACTGGACGGGGG[A>G]CGTGTGGAGCTCCTGGGAGCAGCTCGCCTCCTCCGTGCCAGGTGAGCTCCTACCAGGAGG-3'
Protein context (NP_000143.2, residues 606-626): HGRYAGHWTG[Asp616Gly]VWSSWEQLAS

ClinVar aggregate classification (germline): Uncertain significance (1 of 4 stars; one submission).

Submission:

Women's Health and Genetics/Laboratory Corporation of America, LabCorp
Classification: Uncertain significance. Last evaluated: 2025-05-22. Review status: criteria provided, single submitter. Criteria: LabCorp Variant Classification Summary - May 2015. Collection method: clinical testing. Allele origin: germline.
Comment: Variant summary: GAA c.1847A>G (p.Asp616Gly) results in a non-conservative amino acid change in the encoded protein sequence. Algorithms developed to predict the effect of missense changes on protein structure and function all suggest that this variant is likely to be disruptive. The variant was absent in 243286 control chromosomes. The available data on variant occurrences in the general population are insufficient to allow any conclusion about variant significance. To our knowledge, no occurrence of c.1847A>G in individuals affected with Glycogen Storage Disease, Type 2 (Pompe Disease) and no experimental evidence demonstrating its impact on protein function have been reported. No submitters have cited clinical-significance assessments for this variant to ClinVar. Based on the evidence outlined above, the variant was classified as uncertain significance.